The following is an entry in ClinVar:

ClinVar aggregate classification (germline): Likely pathogenic (1 of 4 stars; one submission).

Conditions:
Familial thoracic aortic aneurysm and aortic dissection (TAAD). Also called: Thoracic aortic aneurysms and dissections. Identifiers: Orphanet 91387, MedGen C4707243, MONDO:0019625.
Marfan syndrome (MFS). Also called: FBN1-Related Marfan Syndrome; Marfan syndrome type 1; Marfan's syndrome; Marfan syndrome, classic; MARFAN SYNDROME, TYPE I. Identifiers: Orphanet 284963, Orphanet 558, MedGen C0024796, MONDO:0007947, OMIM 154700.

Submission:

Labcorp Genetics (formerly Invitae), Labcorp
Classification: Likely pathogenic for Marfan syndrome; Familial thoracic aortic aneurysm and aortic dissection. Last evaluated: 2018-08-11. Review status: criteria provided, single submitter. Criteria: Invitae Variant Classification Sherloc (09022015). Collection method: clinical testing. Allele origin: germline.
Comment: In summary, the currently available evidence indicates that the variant is pathogenic, but additional data are needed to prove that conclusively. Therefore, this variant has been classified as Likely Pathogenic. This variant affects a cysteine residue in the EGF-like, TGFBP or hybrid motif domains FBN1. Cysteine residues are believed to be involved in intramolecular disulfide bridges and have been shown to be important for FBN1 protein structure (PMID: 16905551, 19349279). In addition, missense substitutions affecting cysteine residues within these domains are significantly overrepresented among patients with Marfan syndrome (PMID: 16571647, 17701892). This variant is not present in population databases (ExAC no frequency). The observation of one or more missense substitutions at this codon (p.Cys1068Arg and p.Cys1068Gly) in affected individuals suggests that this may be a clinically significant residue (PMID: 15264290, 19293843, 20803651). This variant has not been reported in the literature in individuals with FBN1-related disease. This sequence change replaces cysteine with serine at codon 1068 of the FBN1 protein (p.Cys1068Ser). The cysteine residue is highly conserved and there is a moderate physicochemical difference between cysteine and serine.

Literature cited by the submitters: PubMed 16905551; PubMed 19349279; PubMed 16571647; PubMed 17701892; PubMed 15264290; PubMed 19293843; PubMed 20803651.

NM_000138.5(FBN1):c.3203G>C (p.Cys1068Ser)

Gene: FBN1 (fibrillin 1; minus strand). Cytogenetic location: 15q21.1.
Variant type: single nucleotide variant.
Coding change: c.3203G>C on transcript NM_000138.5 (MANE Select); coding-DNA position 3203, G replaced by C.
Protein change: p.Cys1068Ser; replaces cysteine 1068 with serine.
Molecular consequence: missense variant.
Genome position (GRCh38, 1-based): chr15:48,488,373, C>G on the plus strand (G>C on the coding strand, the complement: FBN1 is on the minus strand). VCF-style: chr15-48488373-C-G. GRCh37 (hg19) VCF-style: chr15-48780570-C-G.
Other names: short protein forms C1068S.
Identifiers: ClinVar variation 665324 (VCV000665324.8), dbSNP rs1555398659, ClinGen allele CA392327833.